The following is an entry in ClinVar:

NM_001009944.3(PKD1):c.7667A>C (p.Gln2556Pro)

Gene: PKD1 (polycystin 1, transient receptor potential channel interacting; minus strand). Cytogenetic location: 16p13.3.
Variant type: single nucleotide variant.
Coding change: c.7667A>C on transcript NM_001009944.3 (MANE Select); coding-DNA position 7667, A replaced by C.
Protein change: p.Gln2556Pro; replaces glutamine 2556 with proline.
Molecular consequence: missense variant.
Genome position (GRCh38, 1-based): chr16:2,106,127, T>G on the plus strand (A>C on the coding strand, the complement: PKD1 is on the minus strand). VCF-style: chr16-2106127-T-G. GRCh37 (hg19) VCF-style: chr16-2156128-T-G.
Other names: c.7667A>C, p.Gln2556Pro (NM_000296.4); short protein forms Q2556P.
Identifiers: ClinVar variation 3255035 (VCV003255035.5), dbSNP rs2544777358.
Genomic context (GRCh38, chr16:2,106,127, plus strand): 5'-GCGCCCTCCCACGGCCTGGCTCACCTGTTGAGGGCGACCACAGCGGCTCCCAGCTGGTCC[T>G]GCACCACCACGGCCAGGCCCACCTCGAAGTGTGGCCTGAAACCCGGGGGCAGCACGGCTC-3'
Protein context (NP_001009944.3, residues 2546-2566): HFEVGLAVVV[Gln2556Pro]DQLGAAVVAL

ClinVar aggregate classification (germline): Uncertain significance. Review status: criteria provided, multiple submitters, no conflicts (2 of 4 stars). 3 submissions from 3 submitters: Uncertain significance (3). Last evaluated 2026-06-02.

Conditions:
Polycystic kidney disease, adult type (PKD1). Also called: Polycystic Kidney, Autosomal Dominant; POLYCYSTIC KIDNEY DISEASE, ADULT, TYPE I; Polycystic Kidney Disease 1, Autosomal Dominant; Polycystic kidney disease 1; Polycystic kidney disease 1, severe; POLYCYSTIC KIDNEY DISEASE 1 WITH OR WITHOUT POLYCYSTIC LIVER DISEASE. Identifiers: MedGen C3149841, MONDO:0008263, OMIM 173900.

Submissions (3):

Women's Health and Genetics/Laboratory Corporation of America, LabCorp
Classification: Uncertain significance. Last evaluated: 2026-06-02. Review status: criteria provided, single submitter. Criteria: LabCorp Variant Classification Summary - May 2015. Collection method: clinical testing. Allele origin: germline.
Comment: Variant summary: PKD1 c.7667A>C (p.Gln2556Pro) results in a non-conservative amino acid change in the encoded protein sequence. Algorithms developed to predict the effect of missense changes on protein structure and function are either unavailable or do not agree on the potential impact of this missense change. The variant was absent in 186076 control chromosomes. The available data on variant occurrences in the general population are insufficient to allow any conclusion about variant significance. To our knowledge, no occurrence of c.7667A>C in individuals affected with PKD1-related conditions and no experimental evidence demonstrating its impact on protein function have been reported. ClinVar contains an entry for this variant (Variation ID: 3255035). Based on the evidence outlined above, the variant was classified as uncertain significance.

Victorian Clinical Genetics Services, Murdoch Childrens Research Institute
Classification: Uncertain significance for Polycystic kidney disease, adult type. Last evaluated: 2024-09-20. Review status: criteria provided, single submitter. Criteria: ACMG Guidelines, 2015. Collection method: clinical testing. Allele origin: germline. Inheritance: Autosomal dominant inheritance. Affected: yes.
Comment: Based on the classification scheme VCGS_Germline_v1.3.4, this variant is classified as VUS-3A. Following criteria are met: 0102 - Loss of function is a known mechanism of disease in this gene and is associated with polycystic kidney disease 1 (MIM#173900). (I) 0107 - This gene is associated with autosomal dominant disease. Polycystic kidney disease 1 (MIM#173900) is predominantly caused by monoallelic variants, with rare reports of biallelic variants causing disease (OMIM). (I) 0200 - Variant is predicted to result in a missense amino acid change from glutamine to proline. (I) 0251 - This variant is heterozygous. (I) 0301 - Variant is absent from gnomAD (both v2 and v3). (SP) 0502 - Missense variant with conflicting in silico predictions and uninformative conservation. (I) 0600 - Variant is located in the annotated REJ domain (DECIPHER). (I) 0705 - No comparable missense variants have previous evidence for pathogenicity. (I) 0807 - This variant has no previous evidence of pathogenicity. (I) 0905 - No published segregation evidence has been identified for this variant. (I) 1007 - No published functional evidence has been identified for this variant. (I) 1208 - Inheritance information for this variant is not currently available in this individual. (I) Legend: (SP) - Supporting pathogenic, (I) - Information, (SB) - Supporting benign

Juno Genomics, Hangzhou Juno Genomics, Inc
Classification: Uncertain significance for Polycystic kidney disease, adult type. Review status: criteria provided, single submitter. Criteria: ACMG Guidelines, 2015. Collection method: clinical testing. Allele origin: germline. Affected: yes.
Comment: Absent from controls (or at extremely low frequency if recessive) in Genome Aggregation Database, Exome Sequencing Project, 1000 Genomes Project, or Exome Aggregation Consortium.;Patient's phenotype or family history is highly specific for a disease with a single genetic etiology.